The following is an entry in ClinVar:

ClinVar aggregate classification (germline): Likely pathogenic. Review status: criteria provided, multiple submitters, no conflicts (2 of 4 stars). 2 submissions from 2 submitters: Likely pathogenic (2). Last evaluated 2025-10-02.

Conditions:
Atypical hemolytic-uremic syndrome. Identifiers: Orphanet 2134, MedGen C2931788, MONDO:0016244.

Submissions (2):

Genomenon, Inc
Classification: Likely pathogenic for Atypical hemolytic-uremic syndrome. Last evaluated: 2025-10-02. Review status: criteria provided, single submitter. Criteria: Genomenon Sequence Variant Interpretation Standards - Updated. Collection method: curation. Allele origin: germline. Affected: yes.
Comment: CFH p.Arg1215Leu (c.3644G>T) is a missense variant that changes the amino acid at residue 1215 from Arginine to Leucine. This variant has been observed in at least one proband affected with atypical hemolytic-uremic syndrome (PMID:30046676;32424742;33988670). The presence of pathogenic missense variant(s) at the same amino acid position indicates that this residue is likely important for protein function. It is absent or not present at a significant frequency in gnomAD. In conclusion, we classify CFH p.Arg1215Leu (c.3644G>T) as a likely pathogenic variant.

Genome Diagnostics Laboratory, The Hospital for Sick Children
Classification: Likely pathogenic for Atypical hemolytic-uremic syndrome. Last evaluated: 2022-06-24. Review status: criteria provided, single submitter. Criteria: ACMG Guidelines, 2015. Collection method: clinical testing. Allele origin: germline.

Literature cited by the submitters: PubMed 30046676 (cited by Genomenon, Inc); PubMed 32424742 (cited by Genomenon, Inc); PubMed 33988670 (cited by Genomenon, Inc).

NM_000186.4(CFH):c.3644G>T (p.Arg1215Leu)

Gene: CFH (complement factor H; plus strand). Cytogenetic location: 1q31.3.
Variant type: single nucleotide variant.
Coding change: c.3644G>T on transcript NM_000186.4 (MANE Select); coding-DNA position 3644, G replaced by T.
Protein change: p.Arg1215Leu; replaces arginine 1215 with leucine.
Molecular consequence: missense variant.
Genome position (GRCh38, 1-based): chr1:196,747,261, G>T. VCF-style: chr1-196747261-G-T. GRCh37 (hg19) VCF-style: chr1-196716391-G-T.
Other names: short protein forms R1215L.
Identifiers: ClinVar variation 1712431 (VCV001712431.3), dbSNP rs2529561797, ClinGen allele CA343988240.